The following is an entry in ClinVar:

ClinVar aggregate classification (germline): Uncertain significance. Review status: criteria provided, multiple submitters, no conflicts (2 of 4 stars). 2 submissions from 2 submitters: Uncertain significance (2). Last evaluated 2025-10-15.

Conditions:
Myofibrillar myopathy 3 (MFM3). Also called: Autosomal dominant spheroid body myopathy; Muscular dystrophy, proximal, type 1A. Identifiers: Orphanet 266, Orphanet 268129, MedGen C3714934, MONDO:0012215, OMIM 609200.

gnomAD v4.1: 8 of 1,614,012 alleles (0.0005%); highest among the groups gnomAD compares: South Asian, 0.0011%; no homozygotes.

Submissions (2):

Women's Health and Genetics/Laboratory Corporation of America, LabCorp
Classification: Uncertain significance. Last evaluated: 2025-10-15. Review status: criteria provided, single submitter. Criteria: LabCorp Variant Classification Summary - May 2015. Collection method: clinical testing. Allele origin: germline.
Comment: Variant summary: MYOT c.16C>G (p.Arg6Gly) results in a non-conservative amino acid change in the encoded protein sequence. Algorithms developed to predict the effect of missense changes on protein structure and function all suggest that this variant is likely to be disruptive. The variant allele was found at a frequency of 4e-06 in 250498 control chromosomes. The available data on variant occurrences in the general population are insufficient to allow any conclusion about variant significance. c.16C>G has been observed in the homozygous state in two siblings affected with Myofibrillar myopathy 3, in the heterozgyous state in their unaffected parents, and was absent in their unaffected brother (Schessl_2014). This report does not provide unequivocal conclusions about association of the variant with autosomal dominant Myofibrillar myopathy 3. To our knowledge, no experimental evidence demonstrating an impact on protein function has been reported. The following publication have been ascertained in the context of this evaluation (PMID: 24928145). ClinVar contains an entry for this variant (Variation ID: 2732133). Based on the evidence outlined above, the variant was classified as uncertain significance.

Labcorp Genetics (formerly Invitae), Labcorp
Classification: Uncertain significance for Myofibrillar myopathy 3. Last evaluated: 2023-11-12. Review status: criteria provided, single submitter. Criteria: Invitae Variant Classification Sherloc (09022015). Collection method: clinical testing. Allele origin: germline.
Comment: This sequence change replaces arginine, which is basic and polar, with glycine, which is neutral and non-polar, at codon 6 of the MYOT protein (p.Arg6Gly). This variant is present in population databases (no rsID available, gnomAD 0.003%). This missense change has been observed in individual(s) with autosomal recessive myofibrillar myopathy (PMID: 24928145). An algorithm developed to predict the effect of missense changes on protein structure and function (PolyPhen-2) suggests that this variant is likely to be disruptive. In summary, the available evidence is currently insufficient to determine the role of this variant in disease. Therefore, it has been classified as a Variant of Uncertain Significance.

Literature cited by the submitters: PubMed 24928145 (cited by Women's Health and Genetics/Laboratory Corporation of America, LabCorp and Labcorp Genetics (formerly Invitae), Labcorp).

NM_006790.3(MYOT):c.16C>G (p.Arg6Gly)

Genes: MYOT (myotilin; plus strand), PKD2L2-DT (PKD2L2 divergent transcript; minus strand). Cytogenetic location: 5q31.2.
Variant type: single nucleotide variant.
Coding change: c.16C>G on transcript NM_006790.3 (MANE Select); coding-DNA position 16, C replaced by G.
Protein change: p.Arg6Gly; replaces arginine 6 with glycine.
Molecular consequence: missense variant. On other transcripts: intron variant (2).
Genome position (GRCh38, 1-based): chr5:137,870,667, C>G. VCF-style: chr5-137870667-C-G. GRCh37 (hg19) VCF-style: chr5-137206356-C-G.
Other names: c.-121+142C>G (NM_001300911.2); c.-197+142C>G (NM_001135940.2); short protein forms R6G.
Identifiers: ClinVar variation 2732133 (VCV002732133.4), dbSNP rs1264310581, ClinGen allele CA361477769.